The following is an entry in ClinVar:

ClinVar aggregate classification (germline): Uncertain significance (1 of 4 stars; one submission).

Submission:

GeneDx
Classification: Uncertain significance. Last evaluated: 2022-01-27. Review status: criteria provided, single submitter. Criteria: GeneDx Variant Classification Process June 2021. Collection method: clinical testing. Allele origin: germline. Affected: yes.
Comment: Not observed at significant frequency in large population cohorts (gnomAD); In silico analysis supports that this missense variant has a deleterious effect on protein structure/function; Has not been previously published as pathogenic or benign to our knowledge

NM_001378778.1(MPDZ):c.5188A>C (p.Lys1730Gln)

Gene: MPDZ (multiple PDZ domain crumbs cell polarity complex component; minus strand). Cytogenetic location: 9p23.
Variant type: single nucleotide variant.
Coding change: c.5188A>C on transcript NM_001378778.1 (MANE Select); coding-DNA position 5188, A replaced by C.
Protein change: p.Lys1730Gln; replaces lysine 1730 with glutamine.
Molecular consequence: missense variant.
Genome position (GRCh38, 1-based): chr9:13,121,782, T>G on the plus strand (A>C on the coding strand, the complement: MPDZ is on the minus strand). VCF-style: chr9-13121782-T-G. GRCh37 (hg19) VCF-style: chr9-13121781-T-G.
Other names: c.5089A>C, p.Lys1697Gln (NM_001261406.2, NM_001261407.2, NM_001375416.1 and 3 more transcripts); c.5188A>C, p.Lys1730Gln (NM_001330637.2, NM_003829.5); c.5287A>C, p.Lys1763Gln (NM_001375413.1); c.4978A>C, p.Lys1660Gln (NM_001375420.1, NM_001375421.1, NM_001375422.1 and 4 more transcripts); c.4780A>C, p.Lys1594Gln (NM_001375427.1); short protein forms K1594Q, K1660Q, K1697Q, K1730Q, K1763Q.
Identifiers: ClinVar variation 1699861 (VCV001699861.2), dbSNP rs1483362676, ClinGen allele CA372944187.